The following is an entry in ClinVar:

ClinVar aggregate classification (germline): Pathogenic/Likely pathogenic. Review status: criteria provided, multiple submitters, no conflicts (2 of 4 stars). 3 submissions from 3 submitters: Pathogenic (1); Likely pathogenic (2). Last evaluated 2025-02-06.

Conditions:
Retinitis pigmentosa 25 (RP25). Identifiers: Orphanet 791, MedGen C1864446, MONDO:0011272, OMIM 602772.

Submissions (3):

Natera, Inc.
Classification: Likely pathogenic for Retinitis pigmentosa type 25. Last evaluated: 2025-02-06. Review status: criteria provided, single submitter. Criteria: Natera Variant Classification Schema (03/2026). Collection method: clinical testing. Allele origin: germline.
Comment: The c.6196delC variant in EYS is a frameshift variant predicted to shift the reading frame beginning at codon 2066 and leads to a stop codon 17 codons downstream. This variant is expected to result in nonsense mediated decay, truncation, or a dysfunctional protein product. This variant is rare in the general population with a frequency below the threshold expected for the associated phenotype(s). Given the available evidence, this variant is classified as Likely Pathogenic.

Baylor Genetics
Classification: Likely pathogenic for Retinitis pigmentosa 25. Last evaluated: 2023-04-11. Review status: criteria provided, single submitter. Criteria: ACMG Guidelines, 2015. Collection method: clinical testing. Allele origin: unknown.

Labcorp Genetics (formerly Invitae), Labcorp
Classification: Pathogenic. Last evaluated: 2023-01-09. Review status: criteria provided, single submitter. Criteria: Invitae Variant Classification Sherloc (09022015). Collection method: clinical testing. Allele origin: germline.
Comment: This sequence change creates a premature translational stop signal (p.Gln2066Argfs*17) in the EYS gene. It is expected to result in an absent or disrupted protein product. Loss-of-function variants in EYS are known to be pathogenic (PMID: 18836446, 20333770). This variant is not present in population databases (gnomAD no frequency). For these reasons, this variant has been classified as Pathogenic. This variant has not been reported in the literature in individuals affected with EYS-related conditions.

Literature cited by the submitters: PubMed 18836446 (cited by Labcorp Genetics (formerly Invitae), Labcorp); PubMed 20333770 (cited by Labcorp Genetics (formerly Invitae), Labcorp).

NM_001142800.2(EYS):c.6196del (p.Gln2066fs)

Gene: EYS (EGF-like photoreceptor maintenance factor; minus strand). Cytogenetic location: 6q12.
Variant type: Deletion.
Coding change: c.6196del on transcript NM_001142800.2 (MANE Select); coding-DNA position 6196, one base deleted (C; older notation c.6196delC).
Protein change: p.Gln2066fs; shifts the reading frame from glutamine 2066.
Molecular consequence: frameshift variant.
Genome position (GRCh38, 1-based): chr6:64,230,820, G deleted on the plus strand (C on the coding strand, the reverse complement: EYS is on the minus strand); the first of 3 consecutive G bases (chr6:64,230,820-64,230,822); deleting any one gives the same sequence. VCF-style (leftmost placement, unchanged base first): chr6-64230819-TG-T. GRCh37 (hg19) VCF-style: chr6-64940712-TG-T.
Other names: c.6196delC (NM_001142800.1); c.6196del, p.Gln2066fs (NM_001292009.2); short protein forms Q2066fs.
Identifiers: ClinVar variation 2104671 (VCV002104671.6), dbSNP rs1340921963, ClinGen allele CA827005624.